The following is an entry in ClinVar:

ClinVar aggregate classification (germline): Likely pathogenic (1 of 4 stars; one submission).

Conditions:
Dilated cardiomyopathy 1G (CMD1G). Identifiers: Orphanet 154, MedGen C1858763, MONDO:0011400, OMIM 604145.
Autosomal recessive limb-girdle muscular dystrophy type 2J (LGMDR10). Also called: Limb-girdle muscular dystrophy, type 2J; MUSCULAR DYSTROPHY, LIMB-GIRDLE, AUTOSOMAL RECESSIVE 10. Identifiers: Orphanet 140922, MedGen C1837342, MONDO:0012127, OMIM 608807.

Submission:

Labcorp Genetics (formerly Invitae), Labcorp
Classification: Likely pathogenic for Dilated cardiomyopathy 1G; Autosomal recessive limb-girdle muscular dystrophy type 2J. Last evaluated: 2021-04-03. Review status: criteria provided, single submitter. Criteria: Invitae Variant Classification Sherloc (09022015). Collection method: clinical testing. Allele origin: germline.
Comment: This sequence change creates a premature translational stop signal (p.Thr25582Tyrfs*26) in the TTN gene. While this is not anticipated to result in nonsense mediated decay, it is expected to create a truncated TTN protein. This variant is not present in population databases (ExAC no frequency). This variant has not been reported in the literature in individuals with TTN-related conditions. This variant is located in the A band of TTN (PMID: 25589632). Truncating variants in this region are significantly overrepresented in patients affected with dilated cardiomyopathy (PMID: 25589632). Truncating variants in this region have also been reported in individuals affected with autosomal recessive centronuclear myopathy (PMID: 23975875). In summary, the currently available evidence indicates that the variant is pathogenic, but additional data are needed to prove that conclusively. Therefore, this variant has been classified as Likely Pathogenic.

Literature cited by the submitters: PubMed 25589632; PubMed 23975875.

NM_001267550.2(TTN):c.76743dup (p.Thr25582fs)

Genes: TTN (titin; minus strand), TTN-AS1 (TTN antisense RNA 1; plus strand). Cytogenetic location: 2q31.2.
Variant type: Duplication.
Coding change: c.76743dup on transcript NM_001267550.2 (MANE Select); coding-DNA position 76743, one base duplicated (T; older notation c.76743dupT).
Protein change: p.Thr25582fs; shifts the reading frame from threonine 25582.
Molecular consequence: frameshift variant.
Genome position (GRCh38, 1-based): chr2:178,569,389, A duplicated on the plus strand (T on the coding strand, the reverse complement: TTN is on the minus strand); the first of 2 consecutive A bases (chr2:178,569,389-178,569,390); duplicating either gives the same sequence. VCF-style (leftmost placement, unchanged base first): chr2-178569388-T-TA. GRCh37 (hg19) VCF-style: chr2-179434115-T-TA.
Other names: c.71820dup, p.Thr23941fs (NM_001256850.1); c.49548dup, p.Thr16517fs (NM_003319.4); c.69039dup, p.Thr23014fs (NM_133378.4); c.49923dup, p.Thr16642fs (NM_133432.3); c.50124dup, p.Thr16709fs (NM_133437.4); short protein forms T23941fs, T16709fs, T25582fs, T16517fs, T16642fs, T23014fs.
Identifiers: ClinVar variation 1469351 (VCV001469351.8), dbSNP rs2154167743, ClinGen allele CA2573133034.